The following is an entry in ClinVar:

ClinVar aggregate classification (germline): Uncertain significance. Review status: criteria provided, multiple submitters, no conflicts (2 of 4 stars). 2 submissions from 2 submitters: Uncertain significance (2). Last evaluated 2025-10-18.

Conditions:
Inborn genetic diseases. Identifiers: MedGen C0950123, MeSH D030342.

Allele frequency attached by ClinVar (database versions not stated): gnomAD exomes below 0.00001.
gnomAD v4.1: 7 of 1,613,690 alleles (0.00043%); highest among the groups gnomAD compares: African/African-American, 0.0093%; no homozygotes.

Submissions (2):

Ambry Genetics
Classification: Uncertain significance for Inborn genetic diseases. Last evaluated: 2025-10-18. Review status: criteria provided, single submitter. Criteria: Ambry Variant Classification Scheme 2023. Collection method: clinical testing. Allele origin: germline.

Labcorp Genetics (formerly Invitae), Labcorp
Classification: Uncertain significance. Last evaluated: 2023-08-23. Review status: criteria provided, single submitter. Criteria: Invitae Variant Classification Sherloc (09022015). Collection method: clinical testing. Allele origin: germline.
Comment: This sequence change replaces leucine, which is neutral and non-polar, with glutamine, which is neutral and polar, at codon 441 of the OBSL1 protein (p.Leu441Gln). This variant is present in population databases (no rsID available, gnomAD 0.03%). This variant has not been reported in the literature in individuals affected with OBSL1-related conditions. An algorithm developed to predict the effect of missense changes on protein structure and function (PolyPhen-2) suggests that this variant is likely to be disruptive. In summary, the available evidence is currently insufficient to determine the role of this variant in disease. Therefore, it has been classified as a Variant of Uncertain Significance.

NM_015311.3(OBSL1):c.1322T>A (p.Leu441Gln)

Gene: OBSL1 (obscurin like cytoskeletal adaptor 1; minus strand). Cytogenetic location: 2q35.
Variant type: single nucleotide variant.
Coding change: c.1322T>A on transcript NM_015311.3 (MANE Select); coding-DNA position 1322, T replaced by A.
Protein change: p.Leu441Gln; replaces leucine 441 with glutamine.
Molecular consequence: missense variant.
Genome position (GRCh38, 1-based): chr2:219,567,930, A>T on the plus strand (T>A on the coding strand, the complement: OBSL1 is on the minus strand). VCF-style: chr2-219567930-A-T. GRCh37 (hg19) VCF-style: chr2-220432652-A-T.
Other names: c.1322T>A, p.Leu441Gln (NM_001173408.2, NM_001173431.2); c.1322T>A (NM_015311.2); short protein forms L441Q.
Identifiers: ClinVar variation 2994440 (VCV002994440.4), dbSNP rs748749338, ClinGen allele CA350759731.